The following is an entry in ClinVar:

ClinVar aggregate classification (germline): Uncertain significance (1 of 4 stars; one submission).

Conditions:
Adenylosuccinate lyase deficiency (ADSLD). Also called: ADSL DEFICIENCY. Identifiers: Orphanet 46, MedGen C0268126, MONDO:0007068, OMIM 103050.

Submission:

Labcorp Genetics (formerly Invitae), Labcorp
Classification: Uncertain significance for Adenylosuccinate lyase deficiency. Last evaluated: 2021-07-01. Review status: criteria provided, single submitter. Criteria: Invitae Variant Classification Sherloc (09022015). Collection method: clinical testing. Allele origin: germline.
Comment: This variant occurs in a non-coding region of the ADSL gene. It does not change the encoded amino acid sequence of the ADSL protein. The frequency data for this variant in the population databases is considered unreliable, as metrics indicate insufficient coverage at this position in the ExAC database. This variant has not been reported in the literature in individuals affected with ADSL-related conditions. Experimental studies and prediction algorithms are not available or were not evaluated, and the functional significance of this variant is currently unknown. In summary, the available evidence is currently insufficient to determine the role of this variant in disease. Therefore, it has been classified as a Variant of Uncertain Significance.

NC_000022.11:g.40345683T>G

Gene: ADSL (adenylosuccinate lyase; plus strand). Cytogenetic location: 22q13.1.
Variant type: single nucleotide variant.
Genome position: GRCh38 VCF-style: chr22-40345683-T-G. GRCh37 (hg19) VCF-style: chr22-40741687-T-G.
Identifiers: ClinVar variation 1400342 (VCV001400342.3), dbSNP rs2146608173, ClinGen allele CA2573158331.